The following is an entry in ClinVar:

ClinVar aggregate classification (germline): Benign. Review status: criteria provided, multiple submitters, no conflicts (2 of 4 stars). 2 submissions from 2 submitters: Benign (2). Last evaluated 2018-01-12.

Conditions:
Heterotaxy, visceral, 4, autosomal (HTX4). Identifiers: Orphanet 450, MedGen C3151057, MONDO:0013403, OMIM 613751.

Allele frequency attached by ClinVar (database versions not stated): 1000 Genomes Project 30x 0.31309; 1000 Genomes Project 0.32188; TOPMed 0.36584; gnomAD 0.38903 and 0.39499.

Submissions (2):

Illumina Laboratory Services, Illumina
Classification: Benign for Heterotaxy, visceral, 4, autosomal. Last evaluated: 2018-01-12. Review status: criteria provided, single submitter. Criteria: ICSL Variant Classification Criteria 13 December 2019. Collection method: clinical testing. Allele origin: germline.
Comment: This variant was observed in the ICSL laboratory as part of a predisposition screen in an ostensibly healthy population. It had not been previously curated by ICSL or reported in the Human Gene Mutation Database (HGMD: prior to June 1st, 2018), and was therefore a candidate for classification through an automated scoring system. Utilizing variant allele frequency, disease prevalence and penetrance estimates, and inheritance mode, an automated score was calculated to assess if this variant is too frequent to cause the disease. Based on the score and internal cut-off values, a variant classified as benign is not then subjected to further curation. The score for this variant resulted in a classification of benign for this disease.

Breakthrough Genomics
Classification: Benign. Review status: criteria provided, single submitter. Criteria: ACMG Guidelines, 2015. Collection method: not provided. Allele origin: germline. Inheritance: Unknown mechanism. Affected: yes.

NM_001106.4(ACVR2B):c.*5002C>T

Gene: ACVR2B (activin A receptor type 2B; plus strand). Cytogenetic location: 3p22.2.
Variant type: single nucleotide variant.
Coding change: c.*5002C>T on transcript NM_001106.4 (MANE Select); 5002 bases downstream of the stop codon, C replaced by T.
Molecular consequence: 3 prime UTR variant.
Genome position (GRCh38, 1-based): chr3:38,488,334, C>T. VCF-style: chr3-38488334-C-T. GRCh37 (hg19) VCF-style: chr3-38529825-C-T.
Identifiers: ClinVar variation 344996 (VCV000344996.6), dbSNP rs2370840, ClinGen allele CA10616260.
Genomic context (GRCh38, chr3:38,488,334, plus strand): 5'-AATTCAGGGTTATAAGCATAGTTCTTTAAGTAAGATTCCAGATAGTTGATTTGCAACCAG[C>T]AGTCTACCTATGAATGTATCCCAAACCTTTAGAAGATTGGAAAAGATTTTTGAAATAATG-3'